The following is an entry in ClinVar:

NM_052859.4(RFT1):c.1376A>G (p.His459Arg)

Gene: RFT1 (RFT1 glycolipid translocator homolog; minus strand). Cytogenetic location: 3p21.1.
Variant type: single nucleotide variant.
Coding change: c.1376A>G on transcript NM_052859.4 (MANE Select); coding-DNA position 1376, A replaced by G.
Protein change: p.His459Arg; replaces histidine 459 with arginine.
Molecular consequence: missense variant.
Genome position (GRCh38, 1-based): chr3:53,092,451, T>C on the plus strand (A>G on the coding strand, the complement: RFT1 is on the minus strand). VCF-style: chr3-53092451-T-C. GRCh37 (hg19) VCF-style: chr3-53126467-T-C.
Other names: c.1376A>G (NM_052859.3); short protein forms H459R.
Identifiers: ClinVar variation 1446162 (VCV001446162.6), dbSNP rs144531852, ClinGen allele CA2451165.

ClinVar aggregate classification (germline): Uncertain significance. Review status: criteria provided, multiple submitters, no conflicts (2 of 4 stars). 2 submissions from 2 submitters: Uncertain significance (2). Last evaluated 2024-10-01.

Conditions:
Inborn genetic diseases. Identifiers: MedGen C0950123, MeSH D030342.
RFT1-congenital disorder of glycosylation (CDG1N). Also called: RFT1-CDG; Congenital disorder of glycosylation type In; CDG In. Identifiers: Orphanet 244310, MedGen C2677590, MONDO:0012783, OMIM 612015.

Allele frequency attached by ClinVar (database versions not stated): ExAC 0.00001; gnomAD 0.00001; gnomAD exomes 0.00002 and 0.00003; TOPMed 0.00003; ESP Exome Variant Server 0.00008.
gnomAD v4.1: 42 of 1,611,568 alleles (0.0026%); highest among the groups gnomAD compares: Non-Finnish European, 0.0035%; no homozygotes.

Submissions (2):

Ambry Genetics
Classification: Uncertain significance for Inborn genetic diseases. Last evaluated: 2024-10-01. Review status: criteria provided, single submitter. Criteria: Ambry Variant Classification Scheme 2023. Collection method: clinical testing. Allele origin: germline.

Labcorp Genetics (formerly Invitae), Labcorp
Classification: Uncertain significance for RFT1-congenital disorder of glycosylation. Last evaluated: 2021-08-24. Review status: criteria provided, single submitter. Criteria: Invitae Variant Classification Sherloc (09022015). Collection method: clinical testing. Allele origin: germline.
Comment: This sequence change replaces histidine with arginine at codon 459 of the RFT1 protein (p.His459Arg). The histidine residue is moderately conserved and there is a small physicochemical difference between histidine and arginine. This variant is present in population databases (rs144531852, ExAC 0.002%). This variant has not been reported in the literature in individuals affected with RFT1-related conditions. Algorithms developed to predict the effect of missense changes on protein structure and function (SIFT, PolyPhen-2, Align-GVGD) all suggest that this variant is likely to be tolerated. In summary, the available evidence is currently insufficient to determine the role of this variant in disease. Therefore, it has been classified as a Variant of Uncertain Significance.